The following is an entry in ClinVar:

NM_006922.4(SCN3A):c.2467G>A (p.Gly823Ser)

Gene: SCN3A (sodium voltage-gated channel alpha subunit 3; minus strand). Cytogenetic location: 2q24.3.
Variant type: single nucleotide variant.
Coding change: c.2467G>A on transcript NM_006922.4 (MANE Select); coding-DNA position 2467, G replaced by A.
Protein change: p.Gly823Ser; replaces glycine 823 with serine.
Molecular consequence: missense variant.
Genome position (GRCh38, 1-based): chr2:165,131,342, C>T on the plus strand (G>A on the coding strand, the complement: SCN3A is on the minus strand). VCF-style: chr2-165131342-C-T. GRCh37 (hg19) VCF-style: chr2-165987852-C-T.
Other names: c.2320G>A, p.Gly774Ser (NM_001081676.2, NM_001081677.2); short protein forms G774S, G823S.
Identifiers: ClinVar variation 4293246 (VCV004293246.1).

ClinVar aggregate classification (germline): Uncertain significance (1 of 4 stars; one submission).

Conditions:
Developmental and epileptic encephalopathy, 62. Also called: Early infantile epileptic encephalopathy 62. Identifiers: MedGen C4693699, MONDO:0033371, OMIM 617938.

Submission:

3billion
Classification: Uncertain significance for Developmental and epileptic encephalopathy, 62. Last evaluated: 2024-10-23. Review status: criteria provided, single submitter. Criteria: ACMG Guidelines, 2015. Collection method: clinical testing. Allele origin: germline. Affected: yes.
Comment: The variant is not observed in the gnomAD v4.1.0 dataset. Predicted Consequence/Location: Missense variant. Missense changes are a common disease-causing mechanism. In silico tool predictions suggest damaging effect of the variant on gene or gene product [REVEL: 0.77 (>=0.6, sensitivity 0.68 and specificity 0.92); 3Cnet: 0.84 (>=0.6, sensitivity 0.72 and precision 0.9)]. Therefore, this variant is classified as VUS according to the recommendation of ACMG/AMP guideline.